The following is an entry in ClinVar:

ClinVar aggregate classification (germline): Pathogenic (1 of 4 stars; one submission).

Conditions:
Leukocyte adhesion deficiency 1 (LAD1). Also called: LEUKOCYTE ADHESION DEFICIENCY, TYPE I; LAD 1; Lymphocyte function-associated antigen 1 immunodeficiency; LFA 1 immunodeficiency. Identifiers: Orphanet 2968, Orphanet 99842, MedGen C0398738, MONDO:0007293, OMIM 116920.

Submission:

Labcorp Genetics (formerly Invitae), Labcorp
Classification: Pathogenic for Leukocyte adhesion deficiency 1. Last evaluated: 2021-04-16. Review status: criteria provided, single submitter. Criteria: Invitae Variant Classification Sherloc (09022015). Collection method: clinical testing. Allele origin: germline.
Comment: For these reasons, this variant has been classified as Pathogenic. This variant has not been reported in the literature in individuals with ITGB2-related conditions. This variant is not present in population databases (ExAC no frequency). This sequence change creates a premature translational stop signal (p.Arg587Valfs*46) in the ITGB2 gene. It is expected to result in an absent or disrupted protein product. Loss-of-function variants in ITGB2 are known to be pathogenic (PMID: 22134107, 25703682).

Literature cited by the submitters: PubMed 22134107; PubMed 25703682.

NM_000211.5(ITGB2):c.1759del (p.Arg587fs)

Gene: ITGB2 (integrin subunit beta 2; minus strand). Cytogenetic location: 21q22.3.
Variant type: Deletion.
Coding change: c.1759del on transcript NM_000211.5 (MANE Select); coding-DNA position 1759, one base deleted (C; older notation c.1759delC).
Protein change: p.Arg587fs; shifts the reading frame from arginine 587.
Molecular consequence: frameshift variant.
Genome position (GRCh38, 1-based): chr21:44,889,394, G deleted on the plus strand (C on the coding strand, the reverse complement: ITGB2 is on the minus strand). VCF-style (leftmost placement, unchanged base first): chr21-44889393-CG-C. GRCh37 (hg19) VCF-style: chr21-46309308-CG-C.
Other names: c.1759del, p.Arg587fs (NM_001127491.3); c.1552del, p.Arg518fs (NM_001303238.2); short protein forms R518fs, R587fs.
Identifiers: ClinVar variation 1386540 (VCV001386540.6), dbSNP rs2146498117, ClinGen allele CA2573157708.